The following is an entry in ClinVar:

NM_001023570.4(IQCB1):c.862del (p.Glu288fs)

Gene: IQCB1 (IQ motif containing B1; minus strand). Cytogenetic location: 3q13.33.
Variant type: Deletion.
Coding change: c.862del on transcript NM_001023570.4 (MANE Select); coding-DNA position 862, one base deleted (G; older notation c.862delG).
Protein change: p.Glu288fs; shifts the reading frame from glutamic acid 288.
Molecular consequence: frameshift variant. On other transcripts: non-coding transcript variant (1), intron variant (1).
Genome position (GRCh38, 1-based): chr3:121,797,132, C deleted on the plus strand (G on the coding strand, the reverse complement: IQCB1 is on the minus strand); the first of 2 consecutive C bases (chr3:121,797,132-121,797,133); deleting either gives the same sequence. VCF-style (leftmost placement, unchanged base first): chr3-121797131-TC-T. GRCh37 (hg19) VCF-style: chr3-121515978-TC-T.
Other names: c.862del, p.Glu288fs (NM_001319107.2); c.588-6917del (NM_001023571.4); short protein forms E288fs.
Identifiers: ClinVar variation 3663655 (VCV003663655.2).

ClinVar aggregate classification (germline): Pathogenic (1 of 4 stars; one submission).

Conditions:
Nephronophthisis. Also called: Juvenile Nephronophthisis. Identifiers: Orphanet 655, MedGen C0687120, MONDO:0019005, HP:0000090.

Submission:

Labcorp Genetics (formerly Invitae), Labcorp
Classification: Pathogenic for Nephronophthisis. Last evaluated: 2024-08-28. Review status: criteria provided, single submitter. Criteria: Invitae Variant Classification Sherloc (09022015). Collection method: clinical testing. Allele origin: germline.
Comment: This sequence change creates a premature translational stop signal (p.Glu288Lysfs*2) in the IQCB1 gene. It is expected to result in an absent or disrupted protein product. Loss-of-function variants in IQCB1 are known to be pathogenic (PMID: 15723066, 21901789, 23559409, 28041643). This variant is not present in population databases (gnomAD no frequency). This variant has not been reported in the literature in individuals affected with IQCB1-related conditions. For these reasons, this variant has been classified as Pathogenic.

Literature cited by the submitters: PubMed 15723066; PubMed 21901789; PubMed 23559409; PubMed 28041643.